The following is an entry in ClinVar:

NM_201548.5(CERKL):c.78C>T (p.Ala26=)

Gene: CERKL (CERK like autophagy regulator; minus strand). Cytogenetic location: 2q31.3.
Variant type: single nucleotide variant.
Coding change: c.78C>T on transcript NM_201548.5 (MANE Select); coding-DNA position 78, C replaced by T.
Protein change: p.Ala26=; no amino-acid change (alanine 26 retained).
Molecular consequence: synonymous variant. On other transcripts: non-coding transcript variant (2).
Genome position (GRCh38, 1-based): chr2:181,656,929, G>A on the plus strand (C>T on the coding strand, the complement: CERKL is on the minus strand). VCF-style: chr2-181656929-G-A. GRCh37 (hg19) VCF-style: chr2-182521656-G-A.
Other names: c.78C>T, p.Ala26= (NM_001030311.3, NM_001030312.3, NM_001030313.3 and 1 more transcripts).
Identifiers: ClinVar variation 1089466 (VCV001089466.32), dbSNP rs754384634, ClinGen allele CA2010960.

ClinVar aggregate classification (germline): Likely benign. Review status: criteria provided, multiple submitters, no conflicts (2 of 4 stars). 2 submissions from 2 submitters: Likely benign (2). Last evaluated 2025-09-19.

Allele frequency attached by ClinVar (database versions not stated): TOPMed below 0.00001; gnomAD exomes 0.00002 and 0.00006; ExAC 0.00014.
gnomAD v4.1: 32 of 1,592,240 alleles (0.002%); highest among the groups gnomAD compares: Non-Finnish European, 0.0026%; no homozygotes.

Submissions (2):

Labcorp Genetics (formerly Invitae), Labcorp
Classification: Likely benign. Last evaluated: 2025-09-19. Review status: criteria provided, single submitter. Criteria: Invitae Variant Classification Sherloc (09022015). Collection method: clinical testing. Allele origin: germline.

CeGaT Center for Human Genetics Tuebingen
Classification: Likely benign. Last evaluated: 2022-05-01. Review status: criteria provided, single submitter. Criteria: CeGaT Center For Human Genetics Tuebingen Variant Classification Criteria Version 2. Collection method: clinical testing. Allele origin: germline. Affected: yes. Observed: 1 variant allele.
Comment: CERKL: BP4, BP7